The following is an entry in ClinVar:

NM_006949.4(STXBP2):c.1546T>C (p.Phe516Leu)

Gene: STXBP2 (syntaxin binding protein 2; plus strand). Cytogenetic location: 19p13.2.
Variant type: single nucleotide variant.
Coding change: c.1546T>C on transcript NM_006949.4 (MANE Select); coding-DNA position 1546, T replaced by C.
Protein change: p.Phe516Leu; replaces phenylalanine 516 with leucine.
Molecular consequence: missense variant. On other transcripts: non-coding transcript variant (1).
Genome position (GRCh38, 1-based): chr19:7,647,361, T>C. VCF-style: chr19-7647361-T-C. GRCh37 (hg19) VCF-style: chr19-7712247-T-C.
Other names: c.1537T>C, p.Phe513Leu (NM_001127396.3); c.1579T>C, p.Phe527Leu (NM_001272034.2); c.1450T>C, p.Phe484Leu (NM_001414484.1); short protein forms F513L, F527L, F516L, F484L.
Identifiers: ClinVar variation 2158586 (VCV002158586.2), dbSNP rs761106521, ClinGen allele CA9144256.

ClinVar aggregate classification (germline): Uncertain significance (1 of 4 stars; one submission).

Conditions:
Familial hemophagocytic lymphohistiocytosis 5. Also called: STXBP2-Related Familial Hemophagocytic Lymphohistiocytosis (STXBP2-fHLH). Identifiers: Orphanet 540, MedGen C2751293, MONDO:0013135, OMIM 613101.

Allele frequency attached by ClinVar (database versions not stated): gnomAD exomes below 0.00001; ExAC 0.00001.
gnomAD v4.1: 1 of 1,613,246 alleles (0.000062%); highest among the groups gnomAD compares: South Asian, 0.0011%; no homozygotes.

Submission:

Labcorp Genetics (formerly Invitae), Labcorp
Classification: Uncertain significance for Familial hemophagocytic lymphohistiocytosis 5. Last evaluated: 2022-05-17. Review status: criteria provided, single submitter. Criteria: Invitae Variant Classification Sherloc (09022015). Collection method: clinical testing. Allele origin: germline.
Comment: This sequence change replaces phenylalanine, which is neutral and non-polar, with leucine, which is neutral and non-polar, at codon 516 of the STXBP2 protein (p.Phe516Leu). This variant is present in population databases (rs761106521, gnomAD 0.003%). This variant has not been reported in the literature in individuals affected with STXBP2-related conditions. Algorithms developed to predict the effect of missense changes on protein structure and function are either unavailable or do not agree on the potential impact of this missense change (SIFT: "Tolerated"; PolyPhen-2: "Possibly Damaging"; Align-GVGD: "Class C0"). In summary, the available evidence is currently insufficient to determine the role of this variant in disease. Therefore, it has been classified as a Variant of Uncertain Significance.